The following is an entry in ClinVar:

NM_000179.3(MSH6):c.2729A>C (p.Asn910Thr)

Gene: MSH6 (mutS homolog 6; plus strand). Cytogenetic location: 2p16.3.
Variant type: single nucleotide variant.
Coding change: c.2729A>C on transcript NM_000179.3 (MANE Select); coding-DNA position 2729, A replaced by C.
Protein change: p.Asn910Thr; replaces asparagine 910 with threonine.
Molecular consequence: missense variant.
Genome position (GRCh38, 1-based): chr2:47,800,712, A>C. VCF-style: chr2-47800712-A-C. GRCh37 (hg19) VCF-style: chr2-48027851-A-C.
Other names: c.2339A>C, p.Asn780Thr (NM_001281492.2); c.1823A>C, p.Asn608Thr (NM_001281493.2, NM_001281494.2); short protein forms N608T, N910T, N780T.
Identifiers: ClinVar variation 923476 (VCV000923476.18), dbSNP rs1669503562, ClinGen allele CA346755375.

ClinVar aggregate classification (germline): Uncertain significance. Review status: criteria provided, multiple submitters, no conflicts (2 of 4 stars). 5 submissions from 5 submitters: Uncertain significance (5). Last evaluated 2025-06-10.

Conditions:
Hereditary cancer-predisposing syndrome. Also called: Neoplastic Syndromes, Hereditary; Tumor predisposition; Hereditary Cancer Syndrome; Hereditary neoplastic syndrome. Identifiers: Orphanet 140162, MedGen C0027672, MeSH D009386, MONDO:0015356.
Hereditary nonpolyposis colorectal neoplasms. Identifiers: MedGen C0009405, MeSH D003123.
Lynch syndrome. Identifiers: Orphanet 144, MedGen C4552100, MONDO:0005835. Disease mechanism: loss of function.

Allele frequency attached by ClinVar (database versions not stated): gnomAD exomes below 0.00001.
gnomAD v4.1: 7 of 1,614,108 alleles (0.00043%); highest among the groups gnomAD compares: Non-Finnish European, 0.00051%; no homozygotes.

Submissions (5):

Labcorp Genetics (formerly Invitae), Labcorp
Classification: Uncertain significance for Hereditary nonpolyposis colorectal neoplasms. Last evaluated: 2025-06-10. Review status: criteria provided, single submitter. Criteria: Invitae Variant Classification Sherloc (09022015). Collection method: clinical testing. Allele origin: germline.
Comment: This sequence change replaces asparagine, which is neutral and polar, with threonine, which is neutral and polar, at codon 910 of the MSH6 protein (p.Asn910Thr). This variant is not present in population databases (gnomAD no frequency). This variant has not been reported in the literature in individuals affected with MSH6-related conditions. ClinVar contains an entry for this variant (Variation ID: 923476). Invitae Evidence Modeling of protein sequence and biophysical properties (such as structural, functional, and spatial information, amino acid conservation, physicochemical variation, residue mobility, and thermodynamic stability) indicates that this missense variant is not expected to disrupt MSH6 protein function with a negative predictive value of 95%. In summary, the available evidence is currently insufficient to determine the role of this variant in disease. Therefore, it has been classified as a Variant of Uncertain Significance.

Women's Health and Genetics/Laboratory Corporation of America, LabCorp
Classification: Uncertain significance. Last evaluated: 2025-04-04. Review status: criteria provided, single submitter. Criteria: LabCorp Variant Classification Summary - May 2015. Collection method: clinical testing. Allele origin: germline.

Ambry Genetics
Classification: Uncertain significance for Hereditary cancer-predisposing syndrome. Last evaluated: 2024-09-01. Review status: criteria provided, single submitter. Criteria: Ambry Variant Classification Scheme 2023. Collection method: clinical testing. Allele origin: germline.
Comment: The p.N910T variant (also known as c.2729A>C), located in coding exon 4 of the MSH6 gene, results from an A to C substitution at nucleotide position 2729. The asparagine at codon 910 is replaced by threonine, an amino acid with similar properties. This amino acid position is not well conserved in available vertebrate species. In addition, this alteration is predicted to be tolerated by in silico analysis. Since supporting evidence is limited at this time, the clinical significance of this alteration remains unclear.

Color Diagnostics, LLC DBA Color Health
Classification: Uncertain significance for Hereditary cancer-predisposing syndrome. Last evaluated: 2024-03-06. Review status: criteria provided, single submitter. Criteria: ACMG Guidelines, 2015. Collection method: clinical testing. Allele origin: germline.
Comment: This missense variant replaces asparagine with threonine at codon 910 of the MSH6 protein. Computational prediction suggests that this variant may not impact protein structure and function (internally defined REVEL score threshold <= 0.5, PMID: 27666373). To our knowledge, functional studies have not been reported for this variant. This variant has not been reported in individuals affected with MSH6-related disorders in the literature. This variant has not been identified in the general population by the Genome Aggregation Database (gnomAD). The available evidence is insufficient to determine the role of this variant in disease conclusively. Therefore, this variant is classified as a Variant of Uncertain Significance.

All of Us Research Program, National Institutes of Health
Classification: Uncertain significance for Lynch syndrome. Last evaluated: 2023-06-26. Review status: criteria provided, single submitter. Criteria: ACMG Guidelines, 2015. Collection method: clinical testing. Allele origin: germline. Inheritance: Autosomal dominant inheritance. Observed: 1 variant allele, 1 heterozygote.
Comment: This missense variant replaces asparagine with threonine at codon 910 of the MSH6 protein. Computational prediction tool suggests that this variant may not impact protein structure and function (internally defined REVEL score threshold <=0.5, PMID: 27666373). Splice site prediction tools suggest that this variant may not impact RNA splicing. To our knowledge, functional studies have not been performed for this variant. This variant has not been reported in individuals affected with hereditary cancer in the literature. This variant has not been identified in the general population by the Genome Aggregation Database (gnomAD). The available evidence is insufficient to determine the role of this variant in disease conclusively. Therefore, this variant is classified as a Variant of Uncertain Significance.

This study involves interpretation of variants in research participants for the purpose of population health screening. Participant phenotype was not available at the time of variant classification. Additional details can be found in publication PMID: 35346344, PMCID: PMC8962531